The following is an entry in ClinVar:

ClinVar aggregate classification (germline): Conflicting classifications of pathogenicity. Review status: criteria provided, conflicting classifications (1 of 4 stars). 3 submissions from 3 submitters: Uncertain significance (1); Likely benign (1). 1 of the submissions does not count toward it. Last evaluated 2025-12-20.

Conditions:
ABCB4-related disorder. Also called: ABCB4-related disorders; ABCB4-related condition.

Allele frequency attached by ClinVar (database versions not stated): gnomAD exomes 0.00002; TOPMed 0.00005; ExAC 0.00010; gnomAD 0.00005.
gnomAD v4.1: 33 of 1,614,084 alleles (0.002%); highest among the groups gnomAD compares: East Asian, 0.071%; no homozygotes.

Submissions (3):

Labcorp Genetics (formerly Invitae), Labcorp
Classification: Likely benign. Last evaluated: 2025-12-20. Review status: criteria provided, single submitter. Criteria: Invitae Variant Classification Sherloc (09022015). Collection method: clinical testing. Allele origin: germline.

Revvity Omics, Revvity
Classification: Uncertain significance. Last evaluated: 2025-02-20. Review status: criteria provided, single submitter. Criteria: ACMG Guidelines, 2015. Collection method: clinical testing. Allele origin: germline.

PreventionGenetics, part of Exact Sciences
Classification: Likely benign for ABCB4-related condition. Last evaluated: 2019-02-21. Review status: no assertion criteria provided. Collection method: clinical testing. Allele origin: germline. Not counted in ClinVar's aggregate classification.
Comment: This variant is classified as likely benign based on ACMG/AMP sequence variant interpretation guidelines (Richards et al. 2015 PMID: 25741868, with internal and published modifications).

NM_000443.4(ABCB4):c.3705C>T (p.Thr1235=)

Gene: ABCB4 (ATP binding cassette subfamily B member 4; minus strand). Cytogenetic location: 7q21.12.
Variant type: single nucleotide variant.
Coding change: c.3705C>T on transcript NM_000443.4 (MANE Select); coding-DNA position 3705, C replaced by T.
Protein change: p.Thr1235=; no amino-acid change (threonine 1235 retained).
Molecular consequence: synonymous variant.
Genome position (GRCh38, 1-based): chr7:87,402,231, G>A on the plus strand (C>T on the coding strand, the complement: ABCB4 is on the minus strand). VCF-style: chr7-87402231-G-A. GRCh37 (hg19) VCF-style: chr7-87031547-G-A.
Other names: c.3705C>T (NM_000443.3); c.3726C>T, p.Thr1242= (NM_018849.3); c.3564C>T, p.Thr1188= (NM_018850.3).
Identifiers: ClinVar variation 2901806 (VCV002901806.6), dbSNP rs772206941, ClinGen allele CA4326705.